The following is an entry in ClinVar:

NM_139242.4(MTFMT):c.420-254A>G

Gene: MTFMT (mitochondrial methionyl-tRNA formyltransferase; minus strand). Cytogenetic location: 15q22.31.
Variant type: single nucleotide variant.
Coding change: c.420-254A>G on transcript NM_139242.4 (MANE Select); 254 bases into the intron before coding-DNA position 420, A replaced by G.
Molecular consequence: intron variant.
Genome position (GRCh38, 1-based): chr15:65,024,048, T>C on the plus strand (A>G on the coding strand, the complement: MTFMT is on the minus strand). VCF-style: chr15-65024048-T-C. GRCh37 (hg19) VCF-style: chr15-65316386-T-C.
Identifiers: ClinVar variation 684261 (VCV000684261.1), dbSNP rs2946660, ClinGen allele CA14134242.
Genomic context (GRCh38, chr15:65,024,048, plus strand): 5'-ATGACATTTAATTAAAAACAGAGCTAGGACAACTATTTGCTGTTCTAAAGATGTTCTGTC[T>C]GGGTGTGGTGGCTCATGCCTGTAATCCCAGCACTTTGAGAGGCCGAGGCGGGCGGATCAC-3'

ClinVar aggregate classification (germline): Benign (1 of 4 stars; one submission).

Allele frequency attached by ClinVar (database versions not stated): gnomAD 0.39280 and 0.39458; TOPMed 0.40168; 1000 Genomes Project 30x 0.42146; 1000 Genomes Project 0.42592.
gnomAD v4.1: 60,058 of 152,076 alleles (39%); highest among the groups gnomAD compares: East Asian, 69%; 12,427 homozygotes.

Submission:

GeneDx
Classification: Benign. Last evaluated: 2018-06-14. Review status: criteria provided, single submitter. Criteria: GeneDx Variant Classification (06012015). Collection method: clinical testing. Allele origin: germline. Affected: yes.
Comment: This variant is considered likely benign or benign based on one or more of the following criteria: it is a conservative change, it occurs at a poorly conserved position in the protein, it is predicted to be benign by multiple in silico algorithms, and/or has population frequency not consistent with disease.